The following is an entry in ClinVar:

NM_006214.4(PHYH):c.980G>T (p.Arg327Leu)

Gene: PHYH (phytanoyl-CoA 2-hydroxylase; minus strand). Cytogenetic location: 10p13.
Variant type: single nucleotide variant.
Coding change: c.980G>T on transcript NM_006214.4 (MANE Select); coding-DNA position 980, G replaced by T.
Protein change: p.Arg327Leu; replaces arginine 327 with leucine.
Molecular consequence: missense variant.
Genome position (GRCh38, 1-based): chr10:13,278,338, C>A on the plus strand (G>T on the coding strand, the complement: PHYH is on the minus strand). VCF-style: chr10-13278338-C-A. GRCh37 (hg19) VCF-style: chr10-13320338-C-A.
Other names: c.680G>T, p.Arg227Leu (NM_001037537.2, NM_001323080.2); c.986G>T, p.Arg329Leu (NM_001323082.2); c.716G>T, p.Arg239Leu (NM_001323083.2); c.686G>T, p.Arg229Leu (NM_001323084.2); short protein forms R227L, R229L, R239L, R327L, R329L.
Identifiers: ClinVar variation 1055584 (VCV001055584.6), dbSNP rs367851769, ClinGen allele CA5412179.

ClinVar aggregate classification (germline): Uncertain significance (1 of 4 stars; one submission).

gnomAD v4.1: 2 of 1,611,752 alleles (0.00012%); highest among the groups gnomAD compares: Admixed American, 0.0033%; no homozygotes.

Submission:

Labcorp Genetics (formerly Invitae), Labcorp
Classification: Uncertain significance. Last evaluated: 2022-07-12. Review status: criteria provided, single submitter. Criteria: Invitae Variant Classification Sherloc (09022015). Collection method: clinical testing. Allele origin: germline.
Comment: This sequence change replaces arginine, which is basic and polar, with leucine, which is neutral and non-polar, at codon 327 of the PHYH protein (p.Arg327Leu). This variant is present in population databases (rs367851769, gnomAD 0.003%). This variant has not been reported in the literature in individuals affected with PHYH-related conditions. ClinVar contains an entry for this variant (Variation ID: 1055584). Algorithms developed to predict the effect of missense changes on protein structure and function are either unavailable or do not agree on the potential impact of this missense change (SIFT: "Deleterious"; PolyPhen-2: "Possibly Damaging"; Align-GVGD: "Class C0"). In summary, the available evidence is currently insufficient to determine the role of this variant in disease. Therefore, it has been classified as a Variant of Uncertain Significance.